The following is an entry in ClinVar:

ClinVar aggregate classification (germline): Uncertain significance (1 of 4 stars; one submission).

Conditions:
Hereditary cancer-predisposing syndrome. Also called: Neoplastic Syndromes, Hereditary; Tumor predisposition; Hereditary neoplastic syndrome; Hereditary Cancer Syndrome. Identifiers: Orphanet 140162, MedGen C0027672, MeSH D009386, MONDO:0015356.

Submission:

Ambry Genetics
Classification: Uncertain significance for Hereditary cancer-predisposing syndrome. Last evaluated: 2023-12-31. Review status: criteria provided, single submitter. Criteria: Ambry Variant Classification Scheme 2023. Collection method: clinical testing. Allele origin: germline.
Comment: The p.K698M variant (also known as c.2093A>T), located in coding exon 18 of the TSC2 gene, results from an A to T substitution at nucleotide position 2093. The lysine at codon 698 is replaced by methionine, an amino acid with similar properties. This amino acid position is conserved. In addition, this alteration is predicted to be deleterious by in silico analysis. Since supporting evidence is limited at this time, the clinical significance of this alteration remains unclear.

NM_000548.5(TSC2):c.2093A>T (p.Lys698Met)

Gene: TSC2 (TSC complex subunit 2; plus strand). Cytogenetic location: 16p13.3.
Variant type: single nucleotide variant.
Coding change: c.2093A>T on transcript NM_000548.5 (MANE Select); coding-DNA position 2093, A replaced by T.
Protein change: p.Lys698Met; replaces lysine 698 with methionine.
Molecular consequence: missense variant. On other transcripts: non-coding transcript variant (5).
Genome position (GRCh38, 1-based): chr16:2,071,930, A>T. VCF-style: chr16-2071930-A-T. GRCh37 (hg19) VCF-style: chr16-2121931-A-T.
Other names: c.2093A>T, p.Lys698Met (NM_001077183.3, NM_001114382.3, NM_001363528.2 and 6 more transcripts); c.1982A>T, p.Lys661Met (NM_001318827.2, NM_001406670.1, NM_001406678.1); c.1946A>T, p.Lys649Met (NM_001318829.2, NM_001406675.1, NM_001406676.1 and 1 more transcripts); c.1493A>T, p.Lys498Met (NM_001318831.2, NM_001406680.1, NM_001406682.1 and 6 more transcripts); c.2126A>T, p.Lys709Met (NM_001318832.2); c.2183A>T, p.Lys728Met (NM_001406667.1, NM_001406668.1); c.2081A>T, p.Lys694Met (NM_001406671.1, NM_001406673.1); c.2036A>T, p.Lys679Met (NM_001406677.1); and 3 more; short protein forms K164M, K250M, K498M, K544M, K649M, K661M, K679M, K694M.
Identifiers: ClinVar variation 3232102 (VCV003232102.1), dbSNP rs2151309008, ClinGen allele CA394274726.